The following is an entry in ClinVar:

ClinVar aggregate classification (germline): Pathogenic (1 of 4 stars; one submission).

Conditions:
Alport syndrome. Also called: Hemorrhagic familial nephritis; Hemorrhagic hereditary nephritis; Congenital hereditary hematuria. Identifiers: Orphanet 63, MedGen C1567741, MONDO:0018965.

Submission:

Myriad Genetics, Inc.
Classification: Pathogenic for Alport syndrome. Last evaluated: 2023-09-27. Review status: criteria provided, single submitter. Criteria: Myriad Autosomal Dominant, Autosomal Recessive and X-Linked Classification Criteria (2023). Collection method: clinical testing. Allele origin: unknown.
Comment: NM_000091.4(COL4A3):c.3923dupA(D1308Efs*16) is expected to be pathogenic in the context of Alport syndrome, COL4A3-related. This variant is predicted to lead to an abnormal or absent protein product due to the creation of a premature termination codon in COL4A3, a gene where loss-of-function variants are known to be pathogenic. Please note: this variant was assessed in the context of healthy population screening.

NM_000091.5(COL4A3):c.3923dup (p.Asp1308fs)

Genes: COL4A3 (collagen type IV alpha 3 chain; plus strand), MFF-DT (MFF divergent transcript; minus strand). Cytogenetic location: 2q36.3.
Variant type: Duplication.
Coding change: c.3923dup on transcript NM_000091.5 (MANE Select); coding-DNA position 3923, one base duplicated (A; older notation c.3923dupA).
Protein change: p.Asp1308fs; shifts the reading frame from aspartic acid 1308.
Molecular consequence: frameshift variant.
Genome position (GRCh38, 1-based): chr2:227,303,078, A duplicated. VCF-style (leftmost placement, unchanged base first): chr2-227303077-G-GA. GRCh37 (hg19) VCF-style: chr2-228167793-G-GA.
Other names: short protein forms D1308fs.
Identifiers: ClinVar variation 5012145 (VCV005012145.1).